The following is an entry in ClinVar:

NC_000022.11:g.40346386T>A

Gene: ADSL (adenylosuccinate lyase; plus strand). Cytogenetic location: 22q13.1.
Variant type: single nucleotide variant.
Genome position: GRCh38 VCF-style: chr22-40346386-T-A. GRCh37 (hg19) VCF-style: chr22-40742390-T-A.
Identifiers: ClinVar variation 1438679 (VCV001438679.6), dbSNP rs1469357773, ClinGen allele CA753180041.
Genomic context (GRCh38, chr22:40,346,386, plus strand): 5'-CTAAGTAACGTAGGAAGCATCAATCATGTTTCTGGTCAAAGAAGCGAACCAAGTCAATTC[T>A]CAGGCAGAAGCAGCGGAGATTCTCCGCAGCCGGCAGCGCCCAGGGCGCCCGGAACCCAGA-3'

ClinVar aggregate classification (germline): Uncertain significance (1 of 4 stars; one submission).

Conditions:
Adenylosuccinate lyase deficiency (ADSLD). Also called: ADSL DEFICIENCY. Identifiers: Orphanet 46, MedGen C0268126, MONDO:0007068, OMIM 103050.

Allele frequency attached by ClinVar (database versions not stated): TOPMed below 0.00001; gnomAD 0.00001.

Submission:

Labcorp Genetics (formerly Invitae), Labcorp
Classification: Uncertain significance for Adenylosuccinate lyase deficiency. Last evaluated: 2025-01-13. Review status: criteria provided, single submitter. Criteria: Invitae Variant Classification Sherloc (09022015). Collection method: clinical testing. Allele origin: germline.
Comment: This variant occurs in a non-coding region of the ADSL gene. It does not change the encoded amino acid sequence of the ADSL protein. This variant is not present in population databases (gnomAD no frequency). This variant has not been reported in the literature in individuals affected with ADSL-related conditions. Experimental studies and prediction algorithms are not available or were not evaluated, and the functional significance of this variant is currently unknown. In summary, the available evidence is currently insufficient to determine the role of this variant in disease. Therefore, it has been classified as a Variant of Uncertain Significance.